The following is an entry in ClinVar:

NM_022114.4(PRDM16):c.2458C>T (p.Arg820Trp)

Gene: PRDM16 (PR/SET domain 16; plus strand). Cytogenetic location: 1p36.32.
Variant type: single nucleotide variant.
Coding change: c.2458C>T on transcript NM_022114.4 (MANE Select); coding-DNA position 2458, C replaced by T.
Protein change: p.Arg820Trp; replaces arginine 820 with tryptophan.
Molecular consequence: missense variant.
Genome position (GRCh38, 1-based): chr1:3,412,655, C>T. VCF-style: chr1-3412655-C-T. GRCh37 (hg19) VCF-style: chr1-3329219-C-T.
Other names: c.2458C>T (NM_022114.3); c.2458C>T, p.Arg820Trp (NM_199454.3); short protein forms R820W.
Identifiers: ClinVar variation 1514311 (VCV001514311.11), dbSNP rs748390268, ClinGen allele CA544484.
Genomic context (GRCh38, chr1:3,412,655, plus strand): 5'-GAGCAGCCGCTGGACCTGAGCATCGGCAGCCGGGCCCGTGCCAGCCAAAACGGCGGCGGG[C>T]GGGAGCCCCGCAAGAACCACGTCTATGGGGAACGCAAGCTGGGCGCCGGCGAGGGGCTGC-3'
Protein context (NP_071397.3, residues 810-830): RARASQNGGG[Arg820Trp]EPRKNHVYGE

ClinVar aggregate classification (germline): Uncertain significance. Review status: criteria provided, multiple submitters, no conflicts (2 of 4 stars). 5 submissions from 5 submitters: Uncertain significance (5). Last evaluated 2024-10-22.

Conditions:
Inborn genetic diseases. Identifiers: MedGen C0950123, MeSH D030342.
Left ventricular noncompaction 8 (LVNC8). Identifiers: Orphanet 154, Orphanet 54260, MedGen C3809288, MONDO:0014152, OMIM 615373.

Allele frequency attached by ClinVar (database versions not stated): gnomAD exomes 0.00002 and 0.00003; ExAC 0.00004.
gnomAD v4.1: 25 of 1,533,746 alleles (0.0016%); highest among the groups gnomAD compares: Middle Eastern, 0.017%; no homozygotes.

Submissions (5):

Ambry Genetics
Classification: Uncertain significance for Inborn genetic diseases. Last evaluated: 2024-10-22. Review status: criteria provided, single submitter. Criteria: Ambry Variant Classification Scheme 2023. Collection method: clinical testing. Allele origin: germline.

Blueprint Genetics
Classification: Uncertain significance. Last evaluated: 2024-09-07. Review status: criteria provided, single submitter. Criteria: ACMG Guidelines, 2015. Collection method: clinical testing. Allele origin: germline.

Labcorp Genetics (formerly Invitae), Labcorp
Classification: Uncertain significance for Left ventricular noncompaction 8. Last evaluated: 2024-06-25. Review status: criteria provided, single submitter. Criteria: Invitae Variant Classification Sherloc (09022015). Collection method: clinical testing. Allele origin: germline.
Comment: This sequence change replaces arginine, which is basic and polar, with tryptophan, which is neutral and slightly polar, at codon 820 of the PRDM16 protein (p.Arg820Trp). This variant is present in population databases (rs748390268, gnomAD 0.01%). This variant has not been reported in the literature in individuals affected with PRDM16-related conditions. ClinVar contains an entry for this variant (Variation ID: 1514311). An algorithm developed to predict the effect of missense changes on protein structure and function (PolyPhen-2) suggests that this variant is likely to be disruptive. In summary, the available evidence is currently insufficient to determine the role of this variant in disease. Therefore, it has been classified as a Variant of Uncertain Significance.

Fulgent Genetics
Classification: Uncertain significance for Left ventricular noncompaction 8. Last evaluated: 2021-11-11. Review status: criteria provided, single submitter. Criteria: ACMG Guidelines, 2015. Collection method: clinical testing. Allele origin: unknown.

Revvity Omics, Revvity
Classification: Uncertain significance for Left ventricular noncompaction 8. Last evaluated: 2020-04-28. Review status: criteria provided, single submitter. Criteria: ACMG Guidelines, 2015. Collection method: clinical testing. Allele origin: germline.